The following is an entry in ClinVar:

ClinVar aggregate classification (germline): Uncertain significance (1 of 4 stars; one submission).

Allele frequency attached by ClinVar (database versions not stated): gnomAD exomes below 0.00001.
gnomAD v4.1: 1 of 1,614,098 alleles (0.000062%); highest among the groups gnomAD compares: Non-Finnish European, 0.000085%; no homozygotes.

Submission:

GeneDx
Classification: Uncertain significance. Last evaluated: 2022-08-08. Review status: criteria provided, single submitter. Criteria: GeneDx Variant Classification Process June 2021. Collection method: clinical testing. Allele origin: germline. Affected: yes.
Comment: Has not been previously published as pathogenic or benign to our knowledge; Not observed at significant frequency in large population cohorts (gnomAD); In silico analysis supports that this missense variant does not alter protein structure/function; Not located in the triple helical region, where the majority of pathogenic missense variants occur (Symoens et al., 2012; HGMD); This variant is associated with the following publications: (PMID: 22696272)

NM_000393.5(COL5A2):c.3755C>T (p.Thr1252Ile)

Gene: COL5A2 (collagen type V alpha 2 chain; minus strand). Cytogenetic location: 2q32.2.
Variant type: single nucleotide variant.
Coding change: c.3755C>T on transcript NM_000393.5 (MANE Select); coding-DNA position 3755, C replaced by T.
Protein change: p.Thr1252Ile; replaces threonine 1252 with isoleucine.
Molecular consequence: missense variant.
Genome position (GRCh38, 1-based): chr2:189,039,442, G>A on the plus strand (C>T on the coding strand, the complement: COL5A2 is on the minus strand). VCF-style: chr2-189039442-G-A. GRCh37 (hg19) VCF-style: chr2-189904168-G-A.
Other names: short protein forms T1252I.
Identifiers: ClinVar variation 2429507 (VCV002429507.1), dbSNP rs2469221415, ClinGen allele CA349857871.
Genomic context (GRCh38, chr2:189,039,442, plus strand): 5'-AGGGTAGCATGAACCCCTGGGTCCGTTTTGTTTTTGTCATCAGGAGCCGCCTGATCTTCA[G>A]TAAACTCAGGAAGTGGATCTGGCATGCTTTCATCATAGTGCCCCATGATATCCCCAAGAG-3'
Protein context (NP_000384.2, residues 1242-1262): ESMPDPLPEF[Thr1252Ile]EDQAAPDDKN